The following is an entry in ClinVar:

ClinVar aggregate classification (germline): Uncertain significance (1 of 4 stars; one submission).

Conditions:
RASopathy. Also called: Noonan spectrum disorder; rasopathies. Identifiers: Orphanet 536391, MedGen C5555857, MONDO:0021060.

Submission:

Labcorp Genetics (formerly Invitae), Labcorp
Classification: Uncertain significance for RASopathy. Last evaluated: 2020-12-28. Review status: criteria provided, single submitter. Criteria: Invitae Variant Classification Sherloc (09022015). Collection method: clinical testing. Allele origin: germline.
Comment: In summary, the available evidence is currently insufficient to determine the role of this variant in disease. Therefore, it has been classified as a Variant of Uncertain Significance. This variant has not been reported in the literature in individuals with SOS1-related conditions. This variant results in the deletion of exon 9 and part of exon 10 (c.1075-4470_1791del) of the SOS1 gene. It is expected to disrupt RNA splicing. Variants that disrupt the donor or acceptor splice site typically lead to a loss of protein function (PMID: 16199547), however the current clinical and genetic evidence is not sufficient to establish whether loss-of-function variants in SOS1 cause disease.

Literature cited by the submitters: PubMed 16199547.

NC_000002.11:g.(?_39249778)_(39255748_?)del

Gene: SOS1 (SOS Ras/Rac guanine nucleotide exchange factor 1; minus strand). Cytogenetic location: 2p22.1.
Variant type: Deletion.
Identifiers: ClinVar variation 1449888 (VCV001449888.4).